The following is an entry in ClinVar:

NM_024422.6(DSC2):c.1493C>T (p.Pro498Leu)

Gene: DSC2 (desmocollin 2; minus strand). Cytogenetic location: 18q12.1.
Variant type: single nucleotide variant.
Coding change: c.1493C>T on transcript NM_024422.6 (MANE Select); coding-DNA position 1493, C replaced by T.
Protein change: p.Pro498Leu; replaces proline 498 with leucine.
Molecular consequence: missense variant.
Genome position (GRCh38, 1-based): chr18:31,080,123, G>A on the plus strand (C>T on the coding strand, the complement: DSC2 is on the minus strand). VCF-style: chr18-31080123-G-A. GRCh37 (hg19) VCF-style: chr18-28660089-G-A.
Other names: c.1064C>T, p.Pro355Leu (NM_001406506.1, NM_001406507.1); c.1493C>T, p.Pro498Leu (NM_004949.5); short protein forms P355L, P498L.
Identifiers: ClinVar variation 4975944 (VCV004975944.2).
Genomic context (GRCh38, chr18:31,080,123, plus strand): 5'-TATATTTTAAAACTAAAATAGAATGGTAAGTACCTTATGCCACTGCTACTTCTTGTTTCT[G>A]GGTCATATGCTTTATATCCATTGCTTGTTGTTCCCACTTCTGCATTTTCTTTCATGCGAA-3'
Protein context (NP_077740.1, residues 488-508): TTSNGYKAYD[Pro498Leu]ETRSSSGIRY

ClinVar aggregate classification (germline): Uncertain significance. Review status: criteria provided, multiple submitters, no conflicts (2 of 4 stars). 2 submissions from 2 submitters: Uncertain significance (2). Last evaluated 2026-06-15.

Conditions:
Cardiovascular phenotype. Identifiers: MedGen CN230736.

gnomAD v4.1: 1 of 1,613,916 alleles (0.000062%); highest among the groups gnomAD compares: South Asian, 0.0011%; no homozygotes.

Submissions (2):

Ambry Genetics
Classification: Uncertain significance for Cardiovascular phenotype. Last evaluated: 2026-06-15. Review status: criteria provided, single submitter. Criteria: Ambry Variant Classification Scheme 2023. Collection method: clinical testing. Allele origin: germline.
Comment: The p.P498L variant (also known as c.1493C>T), located in coding exon 10 of the DSC2 gene, results from a C to T substitution at nucleotide position 1493. The proline at codon 498 is replaced by leucine, an amino acid with similar properties. This amino acid position is conserved. In addition, the in silico prediction for this alteration is inconclusive. Based on the available evidence, the clinical significance of this variant remains unclear.

GeneDx
Classification: Uncertain significance. Last evaluated: 2026-02-03. Review status: criteria provided, single submitter. Criteria: GeneDx Variant Classification Process June 2021. Collection method: clinical testing. Allele origin: germline.
Comment: Not observed at significant frequency in large population cohorts (gnomAD); In silico analysis supports that this missense variant has a deleterious effect on protein structure/function; Has not been previously published as pathogenic or benign to our knowledge